The following is an entry in ClinVar:

ClinVar aggregate classification (germline): Uncertain significance (1 of 4 stars; one submission).

Submission:

Ambry Genetics
Classification: Uncertain significance. Last evaluated: 2025-03-30. Review status: criteria provided, single submitter. Criteria: Ambry Variant Classification Scheme 2023. Collection method: clinical testing. Allele origin: germline.
Comment: The p.A664T variant (also known as c.1990G>A), located in coding exon 11 of the ATRIP gene, results from a G to A substitution at nucleotide position 1990. The alanine at codon 664 is replaced by threonine, an amino acid with similar properties. This amino acid position is conserved. In addition, this alteration is predicted to be tolerated by in silico analysis. Based on the available evidence, the clinical significance of this variant remains unclear.

NM_130384.3(ATRIP):c.1990G>A (p.Ala664Thr)

Genes: ATRIP (ATR interacting protein; plus strand), ATRIP-TREX1 (ATRIP-TREX1 readthrough; plus strand). Cytogenetic location: 3p21.31.
Variant type: single nucleotide variant.
Coding change: c.1990G>A on transcript NM_130384.3 (MANE Select); coding-DNA position 1990, G replaced by A.
Protein change: p.Ala664Thr; replaces alanine 664 with threonine.
Molecular consequence: missense variant. On other transcripts: non-coding transcript variant (1), intron variant (1).
Genome position (GRCh38, 1-based): chr3:48,464,597, G>A. VCF-style: chr3-48464597-G-A. GRCh37 (hg19) VCF-style: chr3-48505996-G-A.
Other names: c.1609G>A, p.Ala537Thr (NM_001271022.2); c.1711G>A, p.Ala571Thr (NM_001271023.2); c.1975-234G>A (NM_032166.4); short protein forms A571T, A664T, A537T.
Identifiers: ClinVar variation 3975821 (VCV003975821.1).